The following is an entry in ClinVar:

NM_001349253.2(SCN11A):c.1454A>G (p.Asp485Gly)

Gene: SCN11A (sodium voltage-gated channel alpha subunit 11; minus strand). Cytogenetic location: 3p22.2.
Variant type: single nucleotide variant.
Coding change: c.1454A>G on transcript NM_001349253.2 (MANE Select); coding-DNA position 1454, A replaced by G.
Protein change: p.Asp485Gly; replaces aspartic acid 485 with glycine.
Molecular consequence: missense variant.
Genome position (GRCh38, 1-based): chr3:38,907,968, T>C on the plus strand (A>G on the coding strand, the complement: SCN11A is on the minus strand). VCF-style: chr3-38907968-T-C. GRCh37 (hg19) VCF-style: chr3-38949459-T-C.
Other names: c.1454A>G, p.Asp485Gly (NM_014139.3); short protein forms D485G.
Identifiers: ClinVar variation 1704029 (VCV001704029.2), dbSNP rs2470594905, ClinGen allele CA352166470.

ClinVar aggregate classification (germline): Uncertain significance (1 of 4 stars; one submission).

Allele frequency attached by ClinVar (database versions not stated): gnomAD exomes below 0.00001.
gnomAD v4.1: 1 of 1,603,224 alleles (0.000062%); highest among the groups gnomAD compares: Non-Finnish European, 0.000085%; no homozygotes.

Submission:

GeneDx
Classification: Uncertain significance. Last evaluated: 2022-03-02. Review status: criteria provided, single submitter. Criteria: GeneDx Variant Classification Process June 2021. Collection method: clinical testing. Allele origin: germline. Affected: yes.
Comment: Not observed at significant frequency in large population cohorts (gnomAD); In silico analysis supports that this missense variant does not alter protein structure/function; Has not been previously published as pathogenic or benign to our knowledge